The following is an entry in ClinVar:

NM_000484.4(APP):c.634G>A (p.Gly212Arg)

Gene: APP (amyloid beta precursor protein; minus strand). Cytogenetic location: 21q21.3.
Variant type: single nucleotide variant.
Coding change: c.634G>A on transcript NM_000484.4 (MANE Select); coding-DNA position 634, G replaced by A.
Protein change: p.Gly212Arg; replaces glycine 212 with arginine.
Molecular consequence: missense variant.
Genome position (GRCh38, 1-based): chr21:26,051,028, C>T on the plus strand (G>A on the coding strand, the complement: APP is on the minus strand). VCF-style: chr21-26051028-C-T. GRCh37 (hg19) VCF-style: chr21-27423344-C-T.
Other names: c.619G>A, p.Gly207Arg (NM_001136016.3); c.466G>A, p.Gly156Arg (NM_001136129.3, NM_001136130.3); c.529G>A, p.Gly177Arg (NM_001136131.3); c.634G>A, p.Gly212Arg (NM_001204301.2, NM_001204302.2, NM_001204303.2 and 3 more transcripts); short protein forms G156R, G177R, G212R, G207R.
Identifiers: ClinVar variation 2051437 (VCV002051437.4), dbSNP rs755525590, ClinGen allele CA9987610.

ClinVar aggregate classification (germline): Uncertain significance (1 of 4 stars; one submission).

Conditions:
Alzheimer disease. Also called: Presenile and senile dementia; Alzheimer's disease. Identifiers: Orphanet 1020, MedGen C0002395, MeSH D000544, MONDO:0004975, HP:0002511.

Allele frequency attached by ClinVar (database versions not stated): gnomAD 0.00001; gnomAD exomes 0.00001; ExAC 0.00002; TOPMed 0.00003.
gnomAD v4.1: 12 of 1,614,018 alleles (0.00074%); highest among the groups gnomAD compares: East Asian, 0.0022%; no homozygotes.

Submission:

Labcorp Genetics (formerly Invitae), Labcorp
Classification: Uncertain significance for Alzheimer disease. Last evaluated: 2022-02-19. Review status: criteria provided, single submitter. Criteria: Invitae Variant Classification Sherloc (09022015). Collection method: clinical testing. Allele origin: germline.
Comment: This variant has not been reported in the literature in individuals affected with APP-related conditions. In summary, the available evidence is currently insufficient to determine the role of this variant in disease. Therefore, it has been classified as a Variant of Uncertain Significance. Algorithms developed to predict the effect of sequence changes on RNA splicing suggest that this variant may create or strengthen a splice site. Algorithms developed to predict the effect of missense changes on protein structure and function are either unavailable or do not agree on the potential impact of this missense change (SIFT: "Deleterious"; PolyPhen-2: "Not Available"; Align-GVGD: "Class C65"). This variant is present in population databases (rs755525590, gnomAD 0.006%). This sequence change replaces glycine, which is neutral and non-polar, with arginine, which is basic and polar, at codon 212 of the APP protein (p.Gly212Arg).